The following is an entry in ClinVar:

NM_007055.4(POLR3A):c.4138G>A (p.Asp1380Asn)

Gene: POLR3A (RNA polymerase III subunit A; minus strand). Cytogenetic location: 10q22.3.
Variant type: single nucleotide variant.
Coding change: c.4138G>A on transcript NM_007055.4 (MANE Select); coding-DNA position 4138, G replaced by A.
Protein change: p.Asp1380Asn; replaces aspartic acid 1380 with asparagine.
Molecular consequence: missense variant.
Genome position (GRCh38, 1-based): chr10:77,977,513, C>T on the plus strand (G>A on the coding strand, the complement: POLR3A is on the minus strand). VCF-style: chr10-77977513-C-T. GRCh37 (hg19) VCF-style: chr10-79737271-C-T.
Other names: short protein forms D1380N.
Identifiers: ClinVar variation 1948108 (VCV001948108.3), dbSNP rs143800893, ClinGen allele CA5570592.
Genomic context (GRCh38, chr10:77,977,513, plus strand): 5'-AGGCATGGTCCCCTCTTTCTTTGGACTATGTGACAAGGGGGATGTGGAATTCATTTGTGT[C>T]GAAGATCAGGGGCCTCTTGGGAGGGTTCGGGTCCCTGTCAGCCTTGTGAAGCAGCTTGAA-3'
Protein context (NP_008986.2, residues 1370-1390): PNPPKRPLIF[Asp1380Asn]TNEFHIPLVT

ClinVar aggregate classification (germline): Uncertain significance. Review status: criteria provided, multiple submitters, no conflicts (2 of 4 stars). 2 submissions from 2 submitters: Uncertain significance (2). Last evaluated 2023-09-25.

Allele frequency attached by ClinVar (database versions not stated): gnomAD 0.00003; TOPMed 0.00005; ExAC 0.00007; ESP Exome Variant Server 0.00008; 1000 Genomes Project 0.00020; 1000 Genomes Project 30x 0.00031.
gnomAD v4.1: 139 of 1,614,060 alleles (0.0086%); highest among the groups gnomAD compares: Non-Finnish European, 0.011%; no homozygotes.

Submissions (2):

Blueprint Genetics
Classification: Uncertain significance. Last evaluated: 2023-09-25. Review status: criteria provided, single submitter. Criteria: ACMG Guidelines, 2015. Collection method: clinical testing. Allele origin: germline.

Labcorp Genetics (formerly Invitae), Labcorp
Classification: Uncertain significance. Last evaluated: 2022-02-18. Review status: criteria provided, single submitter. Criteria: Invitae Variant Classification Sherloc (09022015). Collection method: clinical testing. Allele origin: germline.
Comment: This sequence change replaces aspartic acid, which is acidic and polar, with asparagine, which is neutral and polar, at codon 1380 of the POLR3A protein (p.Asp1380Asn). This variant is present in population databases (rs143800893, gnomAD 0.009%). This variant has not been reported in the literature in individuals affected with POLR3A-related conditions. Algorithms developed to predict the effect of missense changes on protein structure and function (SIFT, PolyPhen-2, Align-GVGD) all suggest that this variant is likely to be tolerated. In summary, the available evidence is currently insufficient to determine the role of this variant in disease. Therefore, it has been classified as a Variant of Uncertain Significance.